The following is an entry in ClinVar:

NM_177438.3(DICER1):c.3785C>T (p.Pro1262Leu)

Gene: DICER1 (dicer 1, ribonuclease III; minus strand). Cytogenetic location: 14q32.13.
Variant type: single nucleotide variant.
Coding change: c.3785C>T on transcript NM_177438.3 (MANE Select); coding-DNA position 3785, C replaced by T.
Protein change: p.Pro1262Leu; replaces proline 1262 with leucine.
Molecular consequence: missense variant. On other transcripts: non-coding transcript variant (6).
Genome position (GRCh38, 1-based): chr14:95,103,611, G>A on the plus strand (C>T on the coding strand, the complement: DICER1 is on the minus strand). VCF-style: chr14-95103611-G-A. GRCh37 (hg19) VCF-style: chr14-95569948-G-A.
Other names: c.3785C>T, p.Pro1262Leu (NM_001195573.1, NM_001271282.3, NM_001291628.2 and 13 more transcripts); c.3503C>T, p.Pro1168Leu (NM_001395686.1); c.3380C>T, p.Pro1127Leu (NM_001395687.1, NM_001395688.1, NM_001395689.1 and 2 more transcripts); c.3218C>T, p.Pro1073Leu (NM_001395691.1); c.2102C>T, p.Pro701Leu (NM_001395697.1); short protein forms P1168L, P1262L, P1073L, P1127L, P701L.
Identifiers: ClinVar variation 1734878 (VCV001734878.3), dbSNP rs1595364864, ClinGen allele CA390873474.

ClinVar aggregate classification (germline): Uncertain significance. Review status: criteria provided, multiple submitters, no conflicts (2 of 4 stars). 2 submissions from 2 submitters: Uncertain significance (2). Last evaluated 2024-03-01.

Conditions:
Hereditary cancer-predisposing syndrome. Also called: Neoplastic Syndromes, Hereditary; Tumor predisposition; Hereditary Cancer Syndrome; Hereditary neoplastic syndrome. Identifiers: Orphanet 140162, MedGen C0027672, MeSH D009386, MONDO:0015356.
Euthyroid goiter (MNG1). Also called: Goiter, multinodular 1, with or without Sertoli-Leydig cell tumors; GOITER, NONTOXIC, WITH INTRATHYROIDAL CALCIFICATION; MULTINODULAR GOITER, ADOLESCENT; SIMPLE GOITER. Identifiers: Orphanet 276399, MedGen C0302859, MONDO:0007681, OMIM 138800, HP:0009798.
Rhabdomyosarcoma, embryonal, 2 (RMSE2). Identifiers: MedGen C1867234, MONDO:0859046, OMIM 180295.
Global developmental delay - lung cysts - overgrowth - Wilms tumor syndrome. Also called: GLOW Syndrome; GLOBAL DEVELOPMENTAL DELAY, LUNG CYSTS, OVERGROWTH, AND WILMS TUMOR. Identifiers: Orphanet 404476, MedGen C4748924, MONDO:0018445, OMIM 618272.
Pleuropulmonary blastoma (PPB). Identifiers: Orphanet 64742, MedGen C1266144, MONDO:0011014, OMIM 601200, HP:0100528.

Allele frequency attached by ClinVar (database versions not stated): gnomAD 0.00001.
gnomAD v4.1: 1 of 1,614,046 alleles (0.000062%); highest among the groups gnomAD compares: Non-Finnish European, 0.000085%; no homozygotes.

Submissions (2):

Fulgent Genetics
Classification: Uncertain significance for Euthyroid goiter; Rhabdomyosarcoma, embryonal, 2; Pleuropulmonary blastoma; Global developmental delay - lung cysts - overgrowth - Wilms tumor syndrome. Last evaluated: 2024-03-01. Review status: criteria provided, single submitter. Criteria: ACMG Guidelines, 2015. Collection method: clinical testing. Allele origin: germline.

Ambry Genetics
Classification: Uncertain significance for Hereditary cancer-predisposing syndrome. Last evaluated: 2022-05-12. Review status: criteria provided, single submitter. Criteria: Ambry Variant Classification Scheme 2023. Collection method: clinical testing. Allele origin: germline.
Comment: The p.P1262L variant (also known as c.3785C>T), located in coding exon 20 of the DICER1 gene, results from a C to T substitution at nucleotide position 3785. The proline at codon 1262 is replaced by leucine, an amino acid with similar properties. This amino acid position is not well conserved in available vertebrate species. In addition, this alteration is predicted to be tolerated by in silico analysis. Since supporting evidence is limited at this time, the clinical significance of this alteration remains unclear.